The following is an entry in ClinVar:

NM_000302.4(PLOD1):c.1543C>T (p.His515Tyr)

Gene: PLOD1 (procollagen-lysine,2-oxoglutarate 5-dioxygenase 1; plus strand). Cytogenetic location: 1p36.22.
Variant type: single nucleotide variant.
Coding change: c.1543C>T on transcript NM_000302.4 (MANE Select); coding-DNA position 1543, C replaced by T.
Protein change: p.His515Tyr; replaces histidine 515 with tyrosine.
Molecular consequence: missense variant.
Genome position (GRCh38, 1-based): chr1:11,965,552, C>T. VCF-style: chr1-11965552-C-T. GRCh37 (hg19) VCF-style: chr1-12025609-C-T.
Other names: c.1684C>T, p.His562Tyr (NM_001316320.2); short protein forms H515Y, H562Y.
Identifiers: ClinVar variation 459810 (VCV000459810.9), dbSNP rs746905101, ClinGen allele CA598434.

ClinVar aggregate classification (germline): Uncertain significance (1 of 4 stars; one submission).

Conditions:
Ehlers-Danlos syndrome, kyphoscoliotic type 1 (EDSKSCL1). Also called: EHLERS-DANLOS SYNDROME, TYPE VIA; Ehlers-Danlos syndrome, hydroxylysine-deficient; EHLERS-DANLOS SYNDROME, OCULAR-SCOLIOTIC TYPE; PLOD1-Related Kyphoscoliotic Ehlers-Danlos Syndrome. Identifiers: Orphanet 1900, MedGen C0268342, MONDO:0016002, OMIM 225400. Disease mechanism: loss of function.

Allele frequency attached by ClinVar (database versions not stated): gnomAD exomes below 0.00001 and 0.00001; ExAC 0.00001.
gnomAD v4.1: 2 of 1,613,650 alleles (0.00012%); highest among the groups gnomAD compares: Non-Finnish European, 0.00017%; no homozygotes.

Submission:

Labcorp Genetics (formerly Invitae), Labcorp
Classification: Uncertain significance for Ehlers-Danlos syndrome, kyphoscoliotic type 1. Last evaluated: 2023-10-18. Review status: criteria provided, single submitter. Criteria: Invitae Variant Classification Sherloc (09022015). Collection method: clinical testing. Allele origin: germline.
Comment: This sequence change replaces histidine, which is basic and polar, with tyrosine, which is neutral and polar, at codon 515 of the PLOD1 protein (p.His515Tyr). This variant is present in population databases (rs746905101, gnomAD 0.002%). This variant has not been reported in the literature in individuals affected with PLOD1-related conditions. ClinVar contains an entry for this variant (Variation ID: 459810). Advanced modeling of protein sequence and biophysical properties (such as structural, functional, and spatial information, amino acid conservation, physicochemical variation, residue mobility, and thermodynamic stability) performed at Invitae indicates that this missense variant is not expected to disrupt PLOD1 protein function. In summary, the available evidence is currently insufficient to determine the role of this variant in disease. Therefore, it has been classified as a Variant of Uncertain Significance.